The following is an entry in ClinVar:

ClinVar aggregate classification (germline): Likely pathogenic. Review status: criteria provided, multiple submitters, no conflicts (2 of 4 stars). 2 submissions from 2 submitters: Likely pathogenic (2). Last evaluated 2021-11-19.

Conditions:
SKIN/HAIR/EYE PIGMENTATION 1, BLUE/NONBLUE EYES (SHEP1). Also called: BROWN EYE COLOR 2; EYE COLOR 3; EYE COLOR, BLUE/NONBLUE; EYE COLOR, BROWN/BLUE; HAIR COLOR 3; SKIN/HAIR/EYE PIGMENTATION 1, BLOND/BROWN HAIR. Identifiers: MedGen C1856895, OMIM 227220.
Developmental delay with autism spectrum disorder and gait instability (MRT38). Also called: Intellectual developmental disorder, autosomal recessive 38. Identifiers: Orphanet 329195, MedGen C3809753, MONDO:0014224, OMIM 615516.
HERC2-related disorders.

Submissions (2):

Blueprint Genetics
Classification: Likely pathogenic for HERC2-related disorders. Last evaluated: 2021-11-19. Review status: criteria provided, single submitter. Criteria: ACMG Guidelines, 2015. Collection method: clinical testing. Allele origin: germline. Affected: yes. Observed: 2 variant alleles.

Juno Genomics, Hangzhou Juno Genomics, Inc
Classification: Likely pathogenic for SKIN/HAIR/EYE PIGMENTATION 1, BLUE/NONBLUE EYES; Developmental delay with autism spectrum disorder and gait instability. Review status: criteria provided, single submitter. Criteria: ACMG Guidelines, 2015. Collection method: clinical testing. Allele origin: germline.
Comment: Absent from controls (or at extremely low frequency if recessive) in Genome Aggregation Database.;Null variant in a gene where loss of function (LOF) is a known mechanism of disease.

NM_004667.6(HERC2):c.18_19del (p.Phe6fs)

Gene: HERC2 (HECT and RLD domain containing E3 ubiquitin protein ligase 2; minus strand). Cytogenetic location: 15q13.1.
Variant type: Deletion.
Coding change: c.18_19del on transcript NM_004667.6 (MANE Select); coding-DNA positions 18 to 19, 2 bases deleted (CT; older notation c.18_19delCT).
Protein change: p.Phe6fs; shifts the reading frame from phenylalanine 6.
Molecular consequence: frameshift variant.
Genome position (GRCh38, 1-based): chr15:28,321,415-28,321,416, AG deleted on the plus strand (CT on the coding strand, the reverse complement: HERC2 is on the minus strand); deleting any 2 consecutive bases within chr15:28,321,415-28,321,417 gives the same sequence; the c. name uses the placement nearest the transcript's 3' end. VCF-style (leftmost placement, unchanged base first): chr15-28321414-CAG-C. GRCh37 (hg19) VCF-style: chr15-28566560-CAG-C.
Other names: short protein forms F6fs.
Identifiers: ClinVar variation 4923780 (VCV004923780.3).